The following is an entry in ClinVar:

ClinVar aggregate classification (germline): Uncertain significance. Review status: criteria provided, multiple submitters, no conflicts (2 of 4 stars). 3 submissions from 3 submitters: Uncertain significance (2). 1 of the submissions does not count toward it. Last evaluated 2022-07-19.

Conditions:
Neuronal ceroid lipofuscinosis 1 (CLN1). Also called: CEROID LIPOFUSCINOSIS, NEURONAL, 1, VARIABLE AGE AT ONSET; PPT1-Related Neuronal Ceroid-Lipofuscinosis. Identifiers: Orphanet 228329, MedGen C1850451, MONDO:0009744, OMIM 256730.

Allele frequency attached by ClinVar (database versions not stated): gnomAD 0.00001; TOPMed 0.00002; ExAC 0.00003; gnomAD exomes 0.00003; ESP Exome Variant Server 0.00008.
gnomAD v4.1: 28 of 1,613,406 alleles (0.0017%); highest among the groups gnomAD compares: Non-Finnish European, 0.002%; no homozygotes.

Submissions (3):

Labcorp Genetics (formerly Invitae), Labcorp
Classification: Uncertain significance for Neuronal ceroid lipofuscinosis 1. Last evaluated: 2022-07-19. Review status: criteria provided, single submitter. Criteria: Invitae Variant Classification Sherloc (09022015). Collection method: clinical testing. Allele origin: germline.
Comment: This sequence change replaces valine, which is neutral and non-polar, with isoleucine, which is neutral and non-polar, at codon 67 of the PPT1 protein (p.Val67Ile). This variant is present in population databases (rs149945902, gnomAD 0.01%). This variant has not been reported in the literature in individuals affected with PPT1-related conditions. ClinVar contains an entry for this variant (Variation ID: 206641). Advanced modeling of protein sequence and biophysical properties (such as structural, functional, and spatial information, amino acid conservation, physicochemical variation, residue mobility, and thermodynamic stability) performed at Invitae indicates that this missense variant is expected to disrupt PPT1 protein function. In summary, the available evidence is currently insufficient to determine the role of this variant in disease. Therefore, it has been classified as a Variant of Uncertain Significance.

GeneDx
Classification: Uncertain significance. Last evaluated: 2020-07-29. Review status: criteria provided, single submitter. Criteria: GeneDx Variant Classification Process June 2021. Collection method: clinical testing. Allele origin: germline. Affected: yes.
Comment: Not observed at a significant frequency in large population cohorts (Lek et al., 2016); In silico analysis supports that this missense variant does not alter protein structure/function; Has not been previously published as pathogenic or benign to our knowledge

Natera, Inc.
Classification: Uncertain significance for Neuronal ceroid lipofuscinosis 1. Last evaluated: 2021-03-10. Review status: no assertion criteria provided. Collection method: clinical testing. Allele origin: germline. Not counted in ClinVar's aggregate classification.

NM_000310.4(PPT1):c.199G>A (p.Val67Ile)

Gene: PPT1 (palmitoyl-protein thioesterase 1; minus strand). Cytogenetic location: 1p34.2.
Variant type: single nucleotide variant.
Coding change: c.199G>A on transcript NM_000310.4 (MANE Select); coding-DNA position 199, G replaced by A.
Protein change: p.Val67Ile; replaces valine 67 with isoleucine.
Molecular consequence: missense variant. On other transcripts: intron variant (1).
Genome position (GRCh38, 1-based): chr1:40,092,433, C>T on the plus strand (G>A on the coding strand, the complement: PPT1 is on the minus strand). VCF-style: chr1-40092433-C-T. GRCh37 (hg19) VCF-style: chr1-40558105-C-T.
Other names: p.V67I:GTC>ATC; c.199G>A, p.Val67Ile (NM_001363695.2); c.125-2921G>A (NM_001142604.2); short protein forms V67I.
Identifiers: ClinVar variation 206641 (VCV000206641.6), dbSNP rs149945902, ClinGen allele CA316922.